The following is an entry in ClinVar:

NM_025114.4(CEP290):c.1038T>G (p.Asp346Glu)

Gene: CEP290 (centrosomal protein 290; minus strand). Cytogenetic location: 12q21.32.
Variant type: single nucleotide variant.
Coding change: c.1038T>G on transcript NM_025114.4 (MANE Select); coding-DNA position 1038, T replaced by G.
Protein change: p.Asp346Glu; replaces aspartic acid 346 with glutamic acid.
Molecular consequence: missense variant.
Genome position (GRCh38, 1-based): chr12:88,126,343, A>C on the plus strand (T>G on the coding strand, the complement: CEP290 is on the minus strand). VCF-style: chr12-88126343-A-C. GRCh37 (hg19) VCF-style: chr12-88520120-A-C.
Other names: short protein forms D346E.
Identifiers: ClinVar variation 975664 (VCV000975664.11), dbSNP rs372923864, ClinGen allele CA6712634.
Genomic context (GRCh38, chr12:88,126,343, plus strand): 5'-TGGTTGATAAACAAAATTCTGTTAAGATTTTACCTGCTGTAGAGCCATAACATTACTTTT[A>C]TCAGCATCAAGCTGAGCATTCTTAAGTTTCTCCCTTAGGTTATGTAACATTTGCTGATAC-3'
Protein context (NP_079390.3, residues 336-356): EKLKNAQLDA[Asp346Glu]KSNVMALQQG

ClinVar aggregate classification (germline): Uncertain significance. Review status: criteria provided, multiple submitters, no conflicts (2 of 4 stars). 4 submissions from 4 submitters: Uncertain significance (2). 2 of the submissions do not count toward it. Last evaluated 2025-08-01.

Conditions:
CEP290-related disorder. Also called: CEP290-related condition; CEP290-related disorders. Identifiers: MedGen CN239314.
Intellectual disability. Also called: Intellectual developmental disorder; intellectual disabilities; Intellectual functioning disability. Identifiers: MedGen C3714756, MeSH D008607, MONDO:0001071, HP:0001249.
Inborn genetic diseases. Identifiers: MedGen C0950123, MeSH D030342.

Allele frequency attached by ClinVar (database versions not stated): gnomAD exomes below 0.00001 and 0.00001; gnomAD 0.00001; TOPMed 0.00003; ExAC 0.00004; ESP Exome Variant Server 0.00009.
gnomAD v4.1: 8 of 1,491,702 alleles (0.00054%); highest among the groups gnomAD compares: Non-Finnish European, 0.00071%; no homozygotes.

Submissions (4):

CeGaT Center for Human Genetics Tuebingen
Classification: Uncertain significance. Last evaluated: 2025-08-01. Review status: criteria provided, single submitter. Criteria: CeGaT Center For Human Genetics Tuebingen Variant Classification Criteria Version 2. Collection method: clinical testing. Allele origin: germline. Affected: yes. Observed: 1 variant allele.
Comment: CEP290: PM2

Ambry Genetics
Classification: Uncertain significance for Inborn genetic diseases. Last evaluated: 2024-01-03. Review status: criteria provided, single submitter. Criteria: Ambry Variant Classification Scheme 2023. Collection method: clinical testing. Allele origin: germline.

PreventionGenetics, part of Exact Sciences
Classification: Uncertain significance for CEP290-related condition. Last evaluated: 2024-07-01. Review status: no assertion criteria provided. Collection method: clinical testing. Allele origin: germline. Not counted in ClinVar's aggregate classification.
Comment: The CEP290 c.1038T>G variant is predicted to result in the amino acid substitution p.Asp346Glu. To our knowledge, this variant has not been reported in the literature. This variant is reported in 0.0019% of alleles in individuals of European (Non-Finnish) descent in gnomAD. At this time, the clinical significance of this variant is uncertain due to the absence of conclusive functional and genetic evidence.

Centre de Biologie Pathologie Génétique, Centre Hospitalier Universitaire de Lille
Classification: Likely benign for Intellectual disability. Last evaluated: 2019-01-01. Review status: no assertion criteria provided. Collection method: clinical testing. Allele origin: inherited. Affected: yes. Not counted in ClinVar's aggregate classification.